The following is an entry in ClinVar:

ClinVar aggregate classification (germline): Uncertain significance (1 of 4 stars; one submission).

Conditions:
Cardiovascular phenotype. Identifiers: MedGen CN230736.

Submission:

Ambry Genetics
Classification: Uncertain significance for Cardiovascular phenotype. Last evaluated: 2024-12-14. Review status: criteria provided, single submitter. Criteria: Ambry Variant Classification Scheme 2023. Collection method: clinical testing. Allele origin: germline.
Comment: The p.F1177V variant (also known as c.3529T>G), located in coding exon 32 of the MYBPC3 gene, results from a T to G substitution at nucleotide position 3529. The phenylalanine at codon 1177 is replaced by valine, an amino acid with highly similar properties. This amino acid position is conserved. In addition, the in silico prediction for this alteration is inconclusive. Based on the available evidence, the clinical significance of this variant remains unclear.

NM_000256.3(MYBPC3):c.3529T>G (p.Phe1177Val)

Gene: MYBPC3 (myosin binding protein C3; minus strand). Cytogenetic location: 11p11.2.
Variant type: single nucleotide variant.
Coding change: c.3529T>G on transcript NM_000256.3 (MANE Select); coding-DNA position 3529, T replaced by G.
Protein change: p.Phe1177Val; replaces phenylalanine 1177 with valine.
Molecular consequence: missense variant.
Genome position (GRCh38, 1-based): chr11:47,332,664, A>C on the plus strand (T>G on the coding strand, the complement: MYBPC3 is on the minus strand). VCF-style: chr11-47332664-A-C. GRCh37 (hg19) VCF-style: chr11-47354215-A-C.
Other names: short protein forms F1177V.
Identifiers: ClinVar variation 3876130 (VCV003876130.1).